The following is an entry in ClinVar:

ClinVar aggregate classification (germline): Conflicting classifications of pathogenicity. Review status: criteria provided, conflicting classifications (1 of 4 stars). 2 submissions from 2 submitters: Uncertain significance (1); Likely benign (1). Last evaluated 2023-02-01.

Conditions:
Maturity-onset diabetes of the young type 8 (MODY8). Also called: DIABETES-PANCREATIC EXOCRINE DYSFUNCTION SYNDROME; DIABETES AND PANCREATIC EXOCRINE DYSFUNCTION. Identifiers: Orphanet 552, MedGen C1853297, MONDO:0012348, OMIM 609812.

Allele frequency attached by ClinVar (database versions not stated): 1000 Genomes Project 0.00080.

Submissions (2):

CeGaT Center for Human Genetics Tuebingen
Classification: Likely benign. Last evaluated: 2023-02-01. Review status: criteria provided, single submitter. Criteria: CeGaT Center For Human Genetics Tuebingen Variant Classification Criteria Version 2. Collection method: clinical testing. Allele origin: germline. Affected: yes. Observed: 1 variant allele.
Comment: CEL: BP4

New York Genome Center
Classification: Uncertain significance for Maturity-onset diabetes of the young type 8. Last evaluated: 2022-02-23. Review status: criteria provided, single submitter. Criteria: NYGC Assertion Criteria 2020. Collection method: clinical testing. Allele origin: germline. Observed: 1 heterozygote.

NM_001807.6(CEL):c.1427A>G (p.Gln476Arg)

Gene: CEL (carboxyl ester lipase; plus strand). Cytogenetic location: 9q34.13.
Variant type: single nucleotide variant.
Coding change: c.1427A>G on transcript NM_001807.6 (MANE Select); coding-DNA position 1427, A replaced by G.
Protein change: p.Gln476Arg; replaces glutamine 476 with arginine.
Molecular consequence: missense variant.
Genome position (GRCh38, 1-based): chr9:133,070,601, A>G. VCF-style: chr9-133070601-A-G. GRCh37 (hg19) VCF-style: chr9-135945988-A-G.
Other names: short protein forms Q476R.
Identifiers: ClinVar variation 2502160 (VCV002502160.25), dbSNP rs201074543, ClinGen allele CA5303362.